The following is an entry in ClinVar:

ClinVar aggregate classification (germline): Uncertain significance. Review status: criteria provided, single submitter (1 of 4 stars). 2 submissions from 2 submitters: Uncertain significance (1). 1 of the submissions does not count toward it. Last evaluated 2021-08-30.

Conditions:
Primary ciliary dyskinesia. Also called: Ciliary dyskinesia. Identifiers: Orphanet 244, MedGen C0008780, MONDO:0016575, HP:0012265.

Allele frequency attached by ClinVar (database versions not stated): gnomAD exomes below 0.00001; TOPMed below 0.00001; gnomAD 0.00001.
gnomAD v4.1: 3 of 1,613,858 alleles (0.00019%); highest among the groups gnomAD compares: Non-Finnish European, 0.00025%; no homozygotes.

Submissions (2):

Labcorp Genetics (formerly Invitae), Labcorp
Classification: Uncertain significance for Primary ciliary dyskinesia. Last evaluated: 2021-08-30. Review status: criteria provided, single submitter. Criteria: Invitae Variant Classification Sherloc (09022015). Collection method: clinical testing. Allele origin: germline.
Comment: This sequence change replaces threonine with lysine at codon 3805 of the DNAH5 protein (p.Thr3805Lys). The threonine residue is highly conserved and there is a moderate physicochemical difference between threonine and lysine. This variant is not present in population databases (ExAC no frequency). This variant has not been reported in the literature in individuals affected with DNAH5-related conditions. Algorithms developed to predict the effect of missense changes on protein structure and function are either unavailable or do not agree on the potential impact of this missense change (SIFT: "Deleterious"; PolyPhen-2: "Benign"; Align-GVGD: "Class C65"). In summary, the available evidence is currently insufficient to determine the role of this variant in disease. Therefore, it has been classified as a Variant of Uncertain Significance.

Natera, Inc.
Classification: Uncertain significance for Primary ciliary dyskinesia. Last evaluated: 2020-09-16. Review status: no assertion criteria provided. Collection method: clinical testing. Allele origin: germline. Not counted in ClinVar's aggregate classification.

NM_001369.3(DNAH5):c.11414C>A (p.Thr3805Lys)

Gene: DNAH5 (dynein axonemal heavy chain 5; minus strand). Cytogenetic location: 5p15.2.
Variant type: single nucleotide variant.
Coding change: c.11414C>A on transcript NM_001369.3 (MANE Select); coding-DNA position 11414, C replaced by A.
Protein change: p.Thr3805Lys; replaces threonine 3805 with lysine.
Molecular consequence: missense variant.
Genome position (GRCh38, 1-based): chr5:13,737,293, G>T on the plus strand (C>A on the coding strand, the complement: DNAH5 is on the minus strand). VCF-style: chr5-13737293-G-T. GRCh37 (hg19) VCF-style: chr5-13737402-G-T.
Other names: short protein forms T3805K.
Identifiers: ClinVar variation 525428 (VCV000525428.7), dbSNP rs1554027892, ClinGen allele CA359226045.